The following is an entry in ClinVar:

NM_002335.4(LRP5):c.4320G>A (p.Pro1440=)

Gene: LRP5 (LDL receptor related protein 5; plus strand). Cytogenetic location: 11q13.2.
Variant type: single nucleotide variant.
Coding change: c.4320G>A on transcript NM_002335.4 (MANE Select); coding-DNA position 4320, G replaced by A.
Protein change: p.Pro1440=; no amino-acid change (proline 1440 retained).
Molecular consequence: synonymous variant.
Genome position (GRCh38, 1-based): chr11:68,438,654, G>A. VCF-style: chr11-68438654-G-A. GRCh37 (hg19) VCF-style: chr11-68206122-G-A.
Other names: c.2577G>A, p.Pro859= (NM_001291902.2).
Identifiers: ClinVar variation 937249 (VCV000937249.9), dbSNP rs753598091, ClinGen allele CA6150312.

ClinVar aggregate classification (germline): Conflicting classifications of pathogenicity. Review status: criteria provided, conflicting classifications (1 of 4 stars). 3 submissions from 3 submitters: Uncertain significance (1); Likely benign (2). Last evaluated 2026-03-10.

Conditions:
LRP5-related disorder. Also called: LRP5-related condition.

Allele frequency attached by ClinVar (database versions not stated): ExAC 0.00001; gnomAD exomes 0.00001; gnomAD 0.00002; TOPMed 0.00005.
gnomAD v4.1: 17 of 1,613,036 alleles (0.0011%); highest among the groups gnomAD compares: Admixed American, 0.0067%; no homozygotes.

Submissions (3):

PreventionGenetics, part of Exact Sciences
Classification: Likely benign for LRP5-related condition. Last evaluated: 2026-03-10. Review status: criteria provided, single submitter. Criteria: ACMG Guidelines, 2015. Collection method: clinical testing. Allele origin: germline.
Comment: This variant is classified as likely benign based on ACMG/AMP sequence variant interpretation guidelines (Richards et al. 2015 PMID: 25741868, with internal and published modifications).

Labcorp Genetics (formerly Invitae), Labcorp
Classification: Likely benign. Last evaluated: 2025-07-28. Review status: criteria provided, single submitter. Criteria: Invitae Variant Classification Sherloc (09022015). Collection method: clinical testing. Allele origin: germline.

Breakthrough Genomics
Classification: Uncertain significance. Review status: criteria provided, single submitter. Criteria: ACMG Guidelines, 2015. Collection method: not provided. Allele origin: germline. Inheritance: Autosomal recessive inheritance. Affected: yes.